The following is an entry in ClinVar:

NM_138576.4(BCL11B):c.641-115A>T

Gene: BCL11B (BCL11 transcription factor B; minus strand). Cytogenetic location: 14q32.2.
Variant type: single nucleotide variant.
Coding change: c.641-115A>T on transcript NM_138576.4 (MANE Select); 115 bases into the intron before coding-DNA position 641, A replaced by T.
Molecular consequence: intron variant.
Genome position (GRCh38, 1-based): chr14:99,176,310, T>A on the plus strand (A>T on the coding strand, the complement: BCL11B is on the minus strand). VCF-style: chr14-99176310-T-A. GRCh37 (hg19) VCF-style: chr14-99642647-T-A.
Other names: c.425-115A>T (NM_001282238.2); c.638-115A>T (NM_001282237.2); c.428-115A>T (NM_022898.3).
Identifiers: ClinVar variation 2688305 (VCV002688305.2), dbSNP rs2487507, ClinGen allele CA13971274.

ClinVar aggregate classification (germline): Benign (1 of 4 stars; one submission).

Allele frequency attached by ClinVar (database versions not stated): 1000 Genomes Project 30x 0.46315; 1000 Genomes Project 0.46685; TOPMed 0.50212.
gnomAD v4.1: 529,522 of 956,880 alleles (55%); highest among the groups gnomAD compares: Non-Finnish European, 58%; 148,880 homozygotes.

Submission:

Unidad de Genómica Garrahan, Hospital de Pediatría Garrahan
Classification: Benign. Last evaluated: 2024-01-24. Review status: criteria provided, single submitter. Criteria: ACMG Guidelines, 2015. Collection method: clinical testing. Allele origin: germline. Affected: no. Observed: 23 variant alleles.
Comment: This variant is classified as Benign based on local population frequency. This variant was detected in 24% of patients studied by a panel of primary immunodeficiencies. Number of patients: 23. Only high quality variants are reported.